The following is an entry in ClinVar:

ClinVar aggregate classification (germline): Pathogenic/Likely pathogenic. Review status: criteria provided, multiple submitters, no conflicts (2 of 4 stars). 2 submissions from 2 submitters: Pathogenic (1); Likely pathogenic (1). Last evaluated 2025-04-21.

Conditions:
Desmin-related myofibrillar myopathy (MFM1). Also called: Myofibrillar myopathy 1; MYOFIBRILLAR MYOPATHY WITH ARRHYTHMOGENIC RIGHT VENTRICULAR CARDIOMYOPATHY; DESMIN-RELATED MYOPATHY WITH ARRHYTHMOGENIC RIGHT VENTRICULAR CARDIOMYOPATHY; Desmin related myopathy (former name); Desmin storage myopathy (former name); Desminopathy. Identifiers: Orphanet 363543, Orphanet 98909, MedGen C1832370, MONDO:0011076, OMIM 601419.
DES-related disorders.

Submissions (2):

Labcorp Genetics (formerly Invitae), Labcorp
Classification: Pathogenic for Desmin-related myofibrillar myopathy. Last evaluated: 2025-04-21. Review status: criteria provided, single submitter. Criteria: Invitae Variant Classification Sherloc (09022015). Collection method: clinical testing. Allele origin: germline.
Comment: This sequence change creates a premature translational stop signal (p.Leu66Profs*52) in the DES gene. It is expected to result in an absent or disrupted protein product. Loss-of-function variants in DES are known to be pathogenic (PMID: 23575897). This variant is present in population databases (no rsID available, gnomAD 0.06%). This variant has not been reported in the literature in individuals affected with DES-related conditions. ClinVar contains an entry for this variant (Variation ID: 1075242). For these reasons, this variant has been classified as Pathogenic.

Blueprint Genetics
Classification: Likely pathogenic for DES-related disorders. Last evaluated: 2024-01-04. Review status: criteria provided, single submitter. Criteria: ACMG Guidelines, 2015. Collection method: clinical testing. Allele origin: germline. Affected: yes. Observed: 1 variant allele.

Literature cited by the submitters: PubMed 23575897 (cited by Labcorp Genetics (formerly Invitae), Labcorp).

NM_001927.4(DES):c.194dup (p.Leu66fs)

Gene: DES (desmin; plus strand). Cytogenetic location: 2q35.
Variant type: Duplication.
Coding change: c.194dup on transcript NM_001927.4 (MANE Select); coding-DNA position 194, one base duplicated (G; older notation c.194dupG).
Protein change: p.Leu66fs; shifts the reading frame from leucine 66.
Molecular consequence: frameshift variant.
Genome position (GRCh38, 1-based): chr2:219,418,656, G duplicated; the last of 5 consecutive G bases (chr2:219,418,652-219,418,656); duplicating any one gives the same sequence. VCF-style (leftmost placement, unchanged base first): chr2-219418651-C-CG. GRCh37 (hg19) VCF-style: chr2-220283373-C-CG.
Other names: c.194dup, p.Leu66fs (NM_001382708.1, NM_001382709.1, NM_001382710.1 and 3 more transcripts); short protein forms L66fs.
Identifiers: ClinVar variation 1075242 (VCV001075242.8), dbSNP rs1370206753, ClinGen allele CA539843119.